The following is an entry in ClinVar:

ClinVar aggregate classification (germline): Uncertain significance (1 of 4 stars; one submission).

Submission:

Labcorp Genetics (formerly Invitae), Labcorp
Classification: Uncertain significance. Last evaluated: 2024-07-03. Review status: criteria provided, single submitter. Criteria: Invitae Variant Classification Sherloc (09022015). Collection method: clinical testing. Allele origin: germline.
Comment: This variant, c.1863_1865del, results in the deletion of 1 amino acid(s) of the KMT2B protein (p.Pro623del), but otherwise preserves the integrity of the reading frame. This variant is not present in population databases (gnomAD no frequency). This variant has not been reported in the literature in individuals affected with KMT2B-related conditions. In summary, the available evidence is currently insufficient to determine the role of this variant in disease. Therefore, it has been classified as a Variant of Uncertain Significance.

NM_014727.3(KMT2B):c.1860TCC[1] (p.Pro623del)

Gene: KMT2B (lysine methyltransferase 2B; plus strand). Cytogenetic location: 19q13.12.
Variant type: Microsatellite.
Coding change: c.1860TCC[1] on transcript NM_014727.3 (MANE Select); one copy of the 3-base unit TCC starting at c.1860; the reference has two copies in a row; one copy, 3 bases deleted.
Protein change: p.Pro623del; deletes proline 623.
Genome position (GRCh38, 1-based): chr19:35,721,210-35,721,212, TCC deleted; deleting any 3 consecutive bases within chr19:35,721,205-35,721,212 gives the same sequence; the position shown is the placement nearest the transcript's 3' end. VCF-style (leftmost placement, unchanged base first): chr19-35721204-CCCT-C. GRCh37 (hg19) VCF-style: chr19-36212106-CCCT-C.
Other names: short protein forms P623del.
Identifiers: ClinVar variation 3715611 (VCV003715611.2).
Genomic context (GRCh38, chr19:35,721,204, plus strand): 5'-GAGACGGTCCATCCTAAGGGAACCCACATTTCGCTGGACCTCACTGACCCGGGAGCTGCC[CCCT>C]CCTCCCCCAGCCCCTCCACCTCCCCCGGCCCCCTCCCCACCCCCTGCTCCTGCCACCTCC-3'